The following is an entry in ClinVar:

ClinVar aggregate classification (germline): Benign (1 of 4 stars; one submission).

Allele frequency attached by ClinVar (database versions not stated): 1000 Genomes Project 0.06749; gnomAD 0.06999 and 0.07348; 1000 Genomes Project 30x 0.07261; TOPMed 0.07516.
gnomAD v4.1: 10,593 of 152,222 alleles (7%); highest among the groups gnomAD compares: African/African-American, 15%; 584 homozygotes.

Submission:

GeneDx
Classification: Benign. Last evaluated: 2018-06-16. Review status: criteria provided, single submitter. Criteria: GeneDx Variant Classification (06012015). Collection method: clinical testing. Allele origin: germline. Affected: yes.
Comment: This variant is considered likely benign or benign based on one or more of the following criteria: it is a conservative change, it occurs at a poorly conserved position in the protein, it is predicted to be benign by multiple in silico algorithms, and/or has population frequency not consistent with disease.

NM_003289.4(TPM2):c.240+208C>T

Gene: TPM2 (tropomyosin 2; minus strand). Cytogenetic location: 9p13.3.
Variant type: single nucleotide variant.
Coding change: c.240+208C>T on transcript NM_003289.4 (MANE Select); 208 bases into the intron after coding-DNA position 240, C replaced by T.
Molecular consequence: intron variant.
Genome position (GRCh38, 1-based): chr9:35,688,938, G>A on the plus strand (C>T on the coding strand, the complement: TPM2 is on the minus strand). VCF-style: chr9-35688938-G-A. GRCh37 (hg19) VCF-style: chr9-35688935-G-A.
Other names: c.240+208C>T (NM_213674.1, NM_001301226.2, NM_001301227.2).
Identifiers: ClinVar variation 672294 (VCV000672294.1), dbSNP rs72727030, ClinGen allele CA15612681.